The following is an entry in ClinVar:

NM_001458.5(FLNC):c.391C>A (p.Leu131Met)

Gene: FLNC (filamin C; plus strand). Cytogenetic location: 7q32.1.
Variant type: single nucleotide variant.
Coding change: c.391C>A on transcript NM_001458.5 (MANE Select); coding-DNA position 391, C replaced by A.
Protein change: p.Leu131Met; replaces leucine 131 with methionine.
Molecular consequence: missense variant.
Genome position (GRCh38, 1-based): chr7:128,835,364, C>A. VCF-style: chr7-128835364-C-A. GRCh37 (hg19) VCF-style: chr7-128475418-C-A.
Other names: c.391C>A, p.Leu131Met (NM_001127487.2); short protein forms L131M.
Identifiers: ClinVar variation 1736178 (VCV001736178.2), dbSNP rs2536614470, ClinGen allele CA369218745.

ClinVar aggregate classification (germline): Uncertain significance (1 of 4 stars; one submission).

Conditions:
Cardiovascular phenotype. Identifiers: MedGen CN230736.

Submission:

Ambry Genetics
Classification: Uncertain significance for Cardiovascular phenotype. Last evaluated: 2021-08-10. Review status: criteria provided, single submitter. Criteria: Ambry Variant Classification Scheme 2023. Collection method: clinical testing. Allele origin: germline.
Comment: The p.L131M variant (also known as c.391C>A), located in coding exon 2 of the FLNC gene, results from a C to A substitution at nucleotide position 391. The leucine at codon 131 is replaced by methionine, an amino acid with highly similar properties. This amino acid position is conserved. In addition, the in silico prediction for this alteration is inconclusive. Since supporting evidence is limited at this time, the clinical significance of this alteration remains unclear.